The following is an entry in ClinVar:

NM_001164508.2(NEB):c.23128-1G>T

Genes: RIF1 (replication timing regulatory factor 1; plus strand), NEB (nebulin; minus strand). Cytogenetic location: 2q23.3.
Variant type: single nucleotide variant.
Coding change: c.23128-1G>T on transcript NM_001164508.2 (MANE Select); the canonical splice acceptor site of the intron before coding-DNA position 23128, G replaced by T.
Molecular consequence: splice acceptor variant.
Genome position (GRCh38, 1-based): chr2:151,513,694, C>A on the plus strand (G>T on the coding strand, the complement: NEB is on the minus strand). VCF-style: chr2-151513694-C-A. GRCh37 (hg19) VCF-style: chr2-152370208-C-A.
Other names: c.23233-1G>T (NM_001271208.1, NM_001271208.2); c.18025-1G>T (NM_004543.5); c.23128-1G>T (NM_001164507.2).
Identifiers: ClinVar variation 2780009 (VCV002780009.4), dbSNP rs2153276574, ClinGen allele CA348752042.
Genomic context (GRCh38, chr2:151,513,694, plus strand): 5'-GGCCATGGCATTCAGGCCTCTTCCTTTGACTTCCAGTTCCAGGTCTCGCTTATATTCTTT[C>A]TATAGTAGCATTAAAAGAAAAAAAAAAGGTACCTAAATGCTACTACTAGGTAATAAACAT-3'

ClinVar aggregate classification (germline): Pathogenic/Likely pathogenic. Review status: criteria provided, multiple submitters, no conflicts (2 of 4 stars). 2 submissions from 2 submitters: Pathogenic (1); Likely pathogenic (1). Last evaluated 2024-12-20.

Conditions:
Nemaline myopathy 2 (NEM2). Also called: Nemaline myopathy 2, autosomal recessive. Identifiers: MedGen C1850569, MONDO:0009725, OMIM 256030.
NEB-related disorder. Also called: NEB-related condition; NEB-Related Disorders.

Submissions (2):

PreventionGenetics, part of Exact Sciences
Classification: Pathogenic for NEB-related condition. Last evaluated: 2024-12-20. Review status: criteria provided, single submitter. Criteria: ACMG Guidelines, 2015. Collection method: clinical testing. Allele origin: germline.
Comment: The NEB c.23233-1G>T variant is predicted to disrupt the AG splice acceptor site and interfere with normal splicing. This variant has been reported in the presumed compound heterozygous state with a second disease-causing NEB variant in an individual with nemaline myopathy (Yin et al. 2021. PubMed ID: 33742414). This variant has not been reported in a large population database (gnomAD), indicating this variant is rare. Variants that disrupt a canonical splice site in NEB are expected to be pathogenic. This variant is interpreted as pathogenic.

Labcorp Genetics (formerly Invitae), Labcorp
Classification: Likely pathogenic for Nemaline myopathy 2. Last evaluated: 2023-12-01. Review status: criteria provided, single submitter. Criteria: Invitae Variant Classification Sherloc (09022015). Collection method: clinical testing. Allele origin: germline.
Comment: This sequence change affects an acceptor splice site in intron 160 of the NEB gene. It is expected to disrupt RNA splicing. Variants that disrupt the donor or acceptor splice site typically lead to a loss of protein function (PMID: 16199547), and loss-of-function variants in NEB are known to be pathogenic (PMID: 25205138). This variant is not present in population databases (gnomAD no frequency). Disruption of this splice site has been observed in individual(s) with nemaline myopathy (PMID: 33742414). Algorithms developed to predict the effect of sequence changes on RNA splicing suggest that this variant may disrupt the consensus splice site. In summary, the currently available evidence indicates that the variant is pathogenic, but additional data are needed to prove that conclusively. Therefore, this variant has been classified as Likely Pathogenic.

Literature cited by the submitters: PubMed 16199547 (cited by Labcorp Genetics (formerly Invitae), Labcorp); PubMed 25205138 (cited by Labcorp Genetics (formerly Invitae), Labcorp); PubMed 33742414 (cited by Labcorp Genetics (formerly Invitae), Labcorp).